The following is an entry in ClinVar:

ClinVar aggregate classification (germline): Likely benign (1 of 4 stars; one submission).

gnomAD v4.1: 37 of 1,613,764 alleles (0.0023%); highest among the groups gnomAD compares: Admixed American, 0.0067%; no homozygotes.

Submission:

CeGaT Center for Human Genetics Tuebingen
Classification: Likely benign. Last evaluated: 2024-09-01. Review status: criteria provided, single submitter. Criteria: CeGaT Center For Human Genetics Tuebingen Variant Classification Criteria Version 2. Collection method: clinical testing. Allele origin: germline. Affected: yes. Observed: 1 variant allele.
Comment: UROC1: BP4, BP7

NM_144639.3(UROC1):c.993G>A (p.Thr331=)

Gene: UROC1 (urocanate hydratase 1; minus strand). Cytogenetic location: 3q21.3.
Variant type: single nucleotide variant.
Coding change: c.993G>A on transcript NM_144639.3 (MANE Select); coding-DNA position 993, G replaced by A.
Protein change: p.Thr331=; no amino-acid change (threonine 331 retained).
Molecular consequence: synonymous variant.
Genome position (GRCh38, 1-based): chr3:126,500,847, C>T on the plus strand (G>A on the coding strand, the complement: UROC1 is on the minus strand). VCF-style: chr3-126500847-C-T. GRCh37 (hg19) VCF-style: chr3-126219690-C-T.
Other names: c.1173G>A, p.Thr391= (NM_001165974.2).
Identifiers: ClinVar variation 3388255 (VCV003388255.14).